The following is an entry in ClinVar:

ClinVar aggregate classification (germline): Pathogenic/Likely pathogenic. Review status: criteria provided, multiple submitters, no conflicts (2 of 4 stars). 8 submissions from 8 submitters: Pathogenic (1); Likely pathogenic (6). 1 of the submissions does not count toward it. Last evaluated 2026-08-20.

Conditions:
MOCS2-related disorders.
Fetal anomalies with a likely genetic cause.
Sulfite oxidase deficiency due to molybdenum cofactor deficiency type B1 (MOCODB1). Also called: Molybdenum cofactor deficiency B; Sulfite oxidase deficiency due to molybdenum cofactor deficiency type B; Molybdenum cofactor deficiency, complementation group B; MOLYBDENUM COFACTOR DEFICIENCY, TYPE B1. Identifiers: Orphanet 308393, Orphanet 833, MedGen C6065887, MONDO:0009644, OMIM 252160.
Abnormality of metabolism/homeostasis. Identifiers: MedGen C4021768, HP:0001939.

Submissions (8):

Genetics Laboratory, Great Ormond Street Hospital NHS Foundation Trust, North Thames Genomic Laboratory Hub
Classification: Likely pathogenic for Fetal anomalies with a likely genetic cause. Last evaluated: 2026-08-20. Review status: criteria provided, single submitter. Criteria: ACGS Best Practice Guidelines for Variant Classification in Rare Disease 2024 v1.2. Collection method: clinical testing. Allele origin: germline. Affected: yes.
Comment: PS4_moderate, PVS1_strong

Labcorp Genetics (formerly Invitae), Labcorp
Classification: Likely pathogenic. Last evaluated: 2026-01-12. Review status: criteria provided, single submitter. Criteria: Invitae Variant Classification Sherloc (09022015). Collection method: clinical testing. Allele origin: germline.
Comment: This sequence change is expected to alter the c-terminus of the MOCS2B protein (p.Lys180Argfs*31). While this is not anticipated to result in nonsense mediated decay, it is expected to disrupt the last 9 amino acid(s) of the MOCS2B protein and extend the protein by 21 additional amino acid residues. This variant is present in population databases (rs398122797, gnomAD 0.03%). This frameshift has been observed in individual(s) with clinical features of molybdenum cofactor deficiency (PMID: 9459218, 10053004, 23436702, 33502714, 33528536, 35192225). This variant is also known as c.726_727delAA, 726del2, or c.538_539del. ClinVar contains an entry for this variant (Variation ID: 6108). Algorithms developed to predict the effect of variants on gene product structure and function are not available or were not evaluated for this variant. Experimental studies have shown that this frameshift affects MOCS2B function (PMID: 30810871). In summary, the currently available evidence indicates that the variant is pathogenic, but additional data are needed to prove that conclusively. Therefore, this variant has been classified as Likely Pathogenic.

GeneDx
Classification: Likely pathogenic. Last evaluated: 2024-08-19. Review status: criteria provided, single submitter. Criteria: GeneDx Variant Classification Process June 2021. Collection method: clinical testing. Allele origin: germline. Affected: yes.
Comment: Frameshift variant predicted to result in abnormal protein length as the last 9 amino acids are replaced with 30 different amino acids; Reported using an alternate transcript of the gene; This variant is associated with the following publications: (PMID: 35192225, 10053004, 12754701, 23436702, 30810871, 33502714)

Blueprint Genetics
Classification: Pathogenic for MOCS2-related disorders. Last evaluated: 2024-06-24. Review status: criteria provided, single submitter. Criteria: ACMG Guidelines, 2015. Collection method: clinical testing. Allele origin: germline. Affected: yes. Observed: 4 variant alleles.

Fulgent Genetics
Classification: Likely pathogenic for Sulfite oxidase deficiency due to molybdenum cofactor deficiency type B1. Last evaluated: 2022-01-17. Review status: criteria provided, single submitter. Criteria: ACMG Guidelines, 2015. Collection method: clinical testing. Allele origin: unknown.

Kariminejad - Najmabadi Pathology & Genetics Center
Classification: Likely pathogenic for Abnormality of metabolism/homeostasis. Last evaluated: 2021-07-10. Review status: criteria provided, single submitter. Criteria: ACMG Guidelines, 2015. Collection method: clinical testing. Allele origin: germline. Affected: yes.

Laboratory for Molecular Medicine, Mass General Brigham Personalized Medicine
Classification: Likely pathogenic for Molybdenum cofactor deficiency, complementation group B. Last evaluated: 2014-12-29. Review status: criteria provided, single submitter. Criteria: LMM Criteria. Collection method: clinical testing. Allele origin: germline. Inheritance: Autosomal recessive inheritance. Observed: 1 variant allele. Study: CSER-MedSeq.
Comment: The p.Lys180ArgfsX31 variant in MOCS2 has been reported in 4 individuals with clinical features of molybdenum cofactor deficiency (Reiss 1999). Three of these individuals were homozygous for this variant and one individual was compound heterozygous. This variant has also been identified in 0.01% (5/67564) of European chromosomes by the Exome Aggregation Consortium (ExAC; dbSNP rs398122797). Although this variant has been seen in the general population, its frequency is low enough to be consistent with a recessive carrier frequency. This nonsense variant leads to a premature termination codon at position 180. This alteration occurs within the last exon and is more likely to escape nonsense mediated decay (NMD) and result in a truncated protein. Homozygous or compound heterozygous mutation in the MOCS2 gene have been shown to cause molybdenum cofactor deficiency. In summary, although additional studies are required to fully establish its clinical significance, the p.Lys180ArgfsX31 variant is likely pathogenic.

OMIM
Classification: Pathogenic for MOLYBDENUM COFACTOR DEFICIENCY, TYPE B1. Last evaluated: 2003-06-01. Review status: no assertion criteria provided. Collection method: literature only. Allele origin: germline. Not counted in ClinVar's aggregate classification.

Literature cited by the submitters: PubMed 9459218 (cited by Labcorp Genetics (formerly Invitae), Labcorp); PubMed 10053004 (cited by 3 submitters); PubMed 23436702 (cited by Labcorp Genetics (formerly Invitae), Labcorp); PubMed 33502714 (cited by Labcorp Genetics (formerly Invitae), Labcorp); PubMed 33528536 (cited by Labcorp Genetics (formerly Invitae), Labcorp); PubMed 35192225 (cited by Labcorp Genetics (formerly Invitae), Labcorp); PubMed 30810871 (cited by Labcorp Genetics (formerly Invitae), Labcorp); PubMed 12754701 (cited by OMIM).

NM_004531.5(MOCS2):c.539_540del (p.Lys180fs)

Gene: MOCS2 (molybdenum cofactor synthesis 2; minus strand). Cytogenetic location: 5q11.2.
Variant type: Deletion.
Coding change: c.539_540del on transcript NM_004531.5 (MANE Select); coding-DNA positions 539 to 540, 2 bases deleted (AA; older notation c.539_540delAA).
Protein change: p.Lys180fs; shifts the reading frame from lysine 180.
Molecular consequence: frameshift variant. On other transcripts: 3 prime UTR variant (1).
Genome position (GRCh38, 1-based): chr5:53,098,629-53,098,630, TT deleted on the plus strand (AA on the coding strand, the reverse complement: MOCS2 is on the minus strand); deleting any 2 consecutive bases within chr5:53,098,629-53,098,631 gives the same sequence; the c. name uses the placement nearest the transcript's 3' end. VCF-style (leftmost placement, unchanged base first): chr5-53098628-CTT-C. GRCh37 (hg19) VCF-style: chr5-52394458-CTT-C.
Other names: c.539_540delAA (NM_004531.5); c.*459_*460del (NM_176806.4); short protein forms K180fs.
Identifiers: ClinVar variation 6108 (VCV000006108.38), dbSNP rs398122797, ClinGen allele CA117940.